The following is an entry in ClinVar:

NM_145698.5(ACBD5):c.1544T>C (p.Leu515Ser)

Gene: ACBD5 (acyl-CoA binding domain containing 5; minus strand). Cytogenetic location: 10p12.1.
Variant type: single nucleotide variant.
Coding change: c.1544T>C on transcript NM_145698.5 (MANE Select); coding-DNA position 1544, T replaced by C.
Protein change: p.Leu515Ser; replaces leucine 515 with serine.
Molecular consequence: missense variant.
Genome position (GRCh38, 1-based): chr10:27,204,461, A>G on the plus strand (T>C on the coding strand, the complement: ACBD5 is on the minus strand). VCF-style: chr10-27204461-A-G. GRCh37 (hg19) VCF-style: chr10-27493390-A-G.
Other names: c.1439T>C, p.Leu480Ser (NM_001042473.4, NM_001352577.2, NM_001352578.2 and 1 more transcripts); c.1538T>C, p.Leu513Ser (NM_001271512.3); c.1217T>C, p.Leu406Ser (NM_001301251.2, NM_001301252.2, NM_001301253.2 and 2 more transcripts); c.1013T>C, p.Leu338Ser (NM_001301254.2); c.1598T>C, p.Leu533Ser (NM_001352568.1); c.1577T>C, p.Leu526Ser (NM_001352569.1); c.1544T>C, p.Leu515Ser (NM_001352570.1); c.1571T>C, p.Leu524Ser (NM_001352571.1); and 10 more; short protein forms L406S, L417S, L480S, L412S, L447S, L462S, L491S, L513S.
Identifiers: ClinVar variation 4994361 (VCV004994361.1).

ClinVar aggregate classification (germline): Uncertain significance (1 of 4 stars; one submission).

Conditions:
ACBD5-related disorder. Also called: ACBD5-related condition.

gnomAD v4.1: 9 of 1,613,832 alleles (0.00056%); highest among the groups gnomAD compares: Non-Finnish European, 0.00076%; no homozygotes.

Submission:

PreventionGenetics, part of Exact Sciences
Classification: Uncertain significance for ACBD5-related condition. Last evaluated: 2026-06-15. Review status: criteria provided, single submitter. Criteria: ACMG Guidelines, 2015. Collection method: clinical testing. Allele origin: germline.
Comment: The ACBD5 c.1544T>C variant is predicted to result in the amino acid substitution p.Leu515Ser. To our knowledge, this variant has not been reported in the literature or in a large population database (gnomAD), indicating this variant is rare. At this time, the clinical significance of this variant is uncertain due to the absence of conclusive functional and genetic evidence.